The following is an entry in ClinVar:

ClinVar aggregate classification (germline): Likely benign. Review status: criteria provided, multiple submitters, no conflicts (2 of 4 stars). 3 submissions from 3 submitters: Likely benign (2). 1 of the submissions does not count toward it. Last evaluated 2025-10-15.

Conditions:
ABCC6-related disorder. Also called: ABCC6-related condition.

Allele frequency attached by ClinVar (database versions not stated): gnomAD exomes 0.00006; 1000 Genomes Project 30x 0.00031; gnomAD 0.00034 and 0.00035; 1000 Genomes Project 0.00040; TOPMed 0.00048; ESP Exome Variant Server 0.00077.
gnomAD v4.1: 142 of 1,614,126 alleles (0.0088%); highest among the groups gnomAD compares: African/African-American, 0.15%; 3 homozygotes.

Submissions (3):

Labcorp Genetics (formerly Invitae), Labcorp
Classification: Likely benign. Last evaluated: 2025-10-15. Review status: criteria provided, single submitter. Criteria: Invitae Variant Classification Sherloc (09022015). Collection method: clinical testing. Allele origin: germline.

Blueprint Genetics
Classification: Likely benign. Last evaluated: 2024-09-02. Review status: criteria provided, single submitter. Criteria: ACMG Guidelines, 2015. Collection method: clinical testing. Allele origin: germline.

PreventionGenetics, part of Exact Sciences
Classification: Uncertain significance for ABCC6-related condition. Last evaluated: 2024-02-28. Review status: no assertion criteria provided. Collection method: clinical testing. Allele origin: germline. Not counted in ClinVar's aggregate classification.
Comment: The ABCC6 c.2602G>A variant is predicted to result in the amino acid substitution p.Gly868Arg. To our knowledge, this variant has not been reported in the literature. This variant is reported in 0.14% of alleles in individuals of African descent in gnomAD including a homozygous individual and has been interpreted as likely benign in ClinVar. Although we suspect that this variant may be benign, at this time, the clinical significance of this variant is uncertain due to the absence of conclusive functional and genetic evidence.

NM_001171.6(ABCC6):c.2602G>A (p.Gly868Arg)

Gene: ABCC6 (ATP binding cassette subfamily C member 6; minus strand). Cytogenetic location: 16p13.11.
Variant type: single nucleotide variant.
Coding change: c.2602G>A on transcript NM_001171.6 (MANE Select); coding-DNA position 2602, G replaced by A.
Protein change: p.Gly868Arg; replaces glycine 868 with arginine.
Molecular consequence: missense variant. On other transcripts: non-coding transcript variant (1).
Genome position (GRCh38, 1-based): chr16:16,175,975, C>T on the plus strand (G>A on the coding strand, the complement: ABCC6 is on the minus strand). VCF-style: chr16-16175975-C-T. GRCh37 (hg19) VCF-style: chr16-16269832-C-T.
Other names: c.2260G>A, p.Gly754Arg (NM_001351800.1); c.2602G>A (NM_001171.5); short protein forms G754R, G868R.
Identifiers: ClinVar variation 1041760 (VCV001041760.12), dbSNP rs114349489, ClinGen allele CA7925856.